The following is an entry in ClinVar:

NM_024072.4(DDX54):c.396T>C (p.Asp132=)

Gene: DDX54 (DEAD-box helicase 54; minus strand). Cytogenetic location: 12q24.13.
Variant type: single nucleotide variant.
Coding change: c.396T>C on transcript NM_024072.4 (MANE Select); coding-DNA position 396, T replaced by C.
Protein change: p.Asp132=; no amino-acid change (aspartic acid 132 retained).
Molecular consequence: synonymous variant.
Genome position (GRCh38, 1-based): chr12:113,179,311, A>G on the plus strand (T>C on the coding strand, the complement: DDX54 is on the minus strand). VCF-style: chr12-113179311-A-G. GRCh37 (hg19) VCF-style: chr12-113617116-A-G.
Other names: c.396T>C, p.Asp132= (NM_001111322.2).
Identifiers: ClinVar variation 778663 (VCV000778663.6), dbSNP rs145088073, ClinGen allele CA6804026.
Genomic context (GRCh38, chr12:113,179,311, plus strand): 5'-GAGGAGGAAGCAGGCTGTCTTGCCACTGCCCGTCCGGGCCATGGCCACCACGTCCTTGCC[A>G]TCCAAGATCACCGGGATGGTCTGGAGAGGCACAAGCAGGGAAGTCAAGGTCAGCTCCTCC-3'
Protein context (NP_076977.3, residues 122-142): IQRKTIPVIL[Asp132=]GKDVVAMART

ClinVar aggregate classification (germline): Benign. Review status: criteria provided, multiple submitters, no conflicts (2 of 4 stars). 3 submissions from 3 submitters: Benign (2). 1 of the submissions does not count toward it. Last evaluated 2017-05-30.

Conditions:
DDX54-related disorder. Also called: DDX54-related condition.

Allele frequency attached by ClinVar (database versions not stated): ESP Exome Variant Server 0.00062; gnomAD 0.00063 and 0.00072; TOPMed 0.00065; gnomAD exomes 0.00086 and 0.00090; ExAC 0.00089; 1000 Genomes Project 0.00100; 1000 Genomes Project 30x 0.00109.
gnomAD v4.1: 1,385 of 1,613,574 alleles (0.086%); highest among the groups gnomAD compares: Middle Eastern, 0.48%; 8 homozygotes.

Submissions (3):

Labcorp Genetics (formerly Invitae), Labcorp
Classification: Benign. Last evaluated: 2017-05-30. Review status: criteria provided, single submitter. Criteria: Invitae Variant Classification Sherloc (09022015). Collection method: clinical testing. Allele origin: germline.

Breakthrough Genomics
Classification: Benign. Review status: criteria provided, single submitter. Criteria: ACMG Guidelines, 2015. Collection method: not provided. Allele origin: germline. Inheritance: Unknown mechanism. Affected: yes.

PreventionGenetics, part of Exact Sciences
Classification: Likely benign for DDX54-related condition. Last evaluated: 2020-01-27. Review status: no assertion criteria provided. Collection method: clinical testing. Allele origin: germline. Not counted in ClinVar's aggregate classification.
Comment: This variant is classified as likely benign based on ACMG/AMP sequence variant interpretation guidelines (Richards et al. 2015 PMID: 25741868, with internal and published modifications).